The following is an entry in ClinVar:

NM_006949.4(STXBP2):c.358C>T (p.Arg120Cys)

Gene: STXBP2 (syntaxin binding protein 2; plus strand). Cytogenetic location: 19p13.2.
Variant type: single nucleotide variant.
Coding change: c.358C>T on transcript NM_006949.4 (MANE Select); coding-DNA position 358, C replaced by T.
Protein change: p.Arg120Cys; replaces arginine 120 with cysteine.
Molecular consequence: missense variant. On other transcripts: non-coding transcript variant (1).
Genome position (GRCh38, 1-based): chr19:7,640,932, C>T. VCF-style: chr19-7640932-C-T. GRCh37 (hg19) VCF-style: chr19-7705818-C-T.
Other names: c.349C>T, p.Arg117Cys (NM_001127396.3); c.391C>T, p.Arg131Cys (NM_001272034.2); short protein forms R120C, R117C, R131C.
Identifiers: ClinVar variation 286335 (VCV000286335.11), dbSNP rs140745219, ClinGen allele CA9143601.
Genomic context (GRCh38, chr19:7,640,932, plus strand): 5'-CTGATGCCCCACTCCTGCCTCACCCCAGCCTGCCCCGAGCCCCTGTTCAGTGAGCTAGGC[C>T]GCTCTCGTCTGGCAAAGGTGGTGAAGACGTTGAAGGAGATTCACCTTGCCTTCCTCCCCT-3'
Protein context (NP_008880.2, residues 110-130): CPEPLFSELG[Arg120Cys]SRLAKVVKTL

ClinVar aggregate classification (germline): Uncertain significance. Review status: criteria provided, multiple submitters, no conflicts (2 of 4 stars). 3 submissions from 3 submitters: Uncertain significance (3). Last evaluated 2024-09-17.

Conditions:
Familial hemophagocytic lymphohistiocytosis 5. Also called: STXBP2-Related Familial Hemophagocytic Lymphohistiocytosis (STXBP2-fHLH). Identifiers: Orphanet 540, MedGen C2751293, MONDO:0013135, OMIM 613101.

Allele frequency attached by ClinVar (database versions not stated): gnomAD 0.00004 and 0.00005; gnomAD exomes 0.00010; TOPMed 0.00010; ExAC 0.00011; ESP Exome Variant Server 0.00031.
gnomAD v4.1: 269 of 1,614,094 alleles (0.017%); highest among the groups gnomAD compares: Non-Finnish European, 0.021%; no homozygotes.

Submissions (3):

Blueprint Genetics
Classification: Uncertain significance. Last evaluated: 2024-09-17. Review status: criteria provided, single submitter. Criteria: ACMG Guidelines, 2015. Collection method: clinical testing. Allele origin: germline.

Labcorp Genetics (formerly Invitae), Labcorp
Classification: Uncertain significance for Familial hemophagocytic lymphohistiocytosis 5. Last evaluated: 2022-10-13. Review status: criteria provided, single submitter. Criteria: Invitae Variant Classification Sherloc (09022015). Collection method: clinical testing. Allele origin: germline.
Comment: This sequence change replaces arginine, which is basic and polar, with cysteine, which is neutral and slightly polar, at codon 120 of the STXBP2 protein (p.Arg120Cys). This variant is present in population databases (rs140745219, gnomAD 0.02%). This variant has not been reported in the literature in individuals affected with STXBP2-related conditions. ClinVar contains an entry for this variant (Variation ID: 286335). Advanced modeling of protein sequence and biophysical properties (such as structural, functional, and spatial information, amino acid conservation, physicochemical variation, residue mobility, and thermodynamic stability) performed at Invitae indicates that this missense variant is not expected to disrupt STXBP2 protein function. In summary, the available evidence is currently insufficient to determine the role of this variant in disease. Therefore, it has been classified as a Variant of Uncertain Significance.

Eurofins Ntd Llc (ga)
Classification: Uncertain significance. Last evaluated: 2016-02-24. Review status: criteria provided, single submitter. Criteria: EGL Classification Definitions 2015. Collection method: clinical testing. Allele origin: germline. Observed: 1 variant allele, 1 heterozygote.